The following is an entry in ClinVar:

NM_005633.4(SOS1):c.3504A>G (p.Pro1168=)

Gene: SOS1 (SOS Ras/Rac guanine nucleotide exchange factor 1; minus strand). Cytogenetic location: 2p22.1.
Variant type: single nucleotide variant.
Coding change: c.3504A>G on transcript NM_005633.4 (MANE Select); coding-DNA position 3504, A replaced by G.
Protein change: p.Pro1168=; no amino-acid change (proline 1168 retained).
Molecular consequence: synonymous variant.
Genome position (GRCh38, 1-based): chr2:38,987,479, T>C on the plus strand (A>G on the coding strand, the complement: SOS1 is on the minus strand). VCF-style: chr2-38987479-T-C. GRCh37 (hg19) VCF-style: chr2-39214620-T-C.
Other names: p.Pro1168=; c.3483A>G, p.Pro1161= (NM_001382394.1); c.3459A>G, p.Pro1153= (NM_001382395.1).
Identifiers: ClinVar variation 705139 (VCV000705139.12), dbSNP rs748617507, ClinGen allele CA1624166.
Genomic context (GRCh38, chr2:38,987,479, plus strand): 5'-TTATAATGAACTGTAATGATTCCAATTTCTACACAACAAGATTTCTTACTTTACCTTAGA[T>C]GGTGAAGATTCTGCTGGGGCAGATTCTGGTCGTCTTCGTGGAGGAACAGGAGGAGGGACA-3'
Protein context (NP_005624.2, residues 1158-1178): RPESAPAESS[Pro1168=]SKIMSKHLDS

ClinVar aggregate classification (germline): Likely benign. Review status: criteria provided, multiple submitters, no conflicts (2 of 4 stars). 6 submissions from 5 submitters: Likely benign (6). Last evaluated 2025-06-25.

Conditions:
Cardiovascular phenotype. Identifiers: MedGen CN230736.
RASopathy. Also called: rasopathies; Noonan spectrum disorder. Identifiers: Orphanet 536391, MedGen C5555857, MONDO:0021060.
Fibromatosis, gingival, 1 (GINGF1). Identifiers: Orphanet 2024, MedGen C4551558, MONDO:0007609, OMIM 135300.
Noonan syndrome 4 (NS4). Also called: NOONAN SYNDROME WITH PIGMENTED VILLONODULAR SYNOVITIS; SOS1-Related Noonan Syndrome. Identifiers: Orphanet 648, MedGen C1853120, MONDO:0012547, OMIM 610733.

Allele frequency attached by ClinVar (database versions not stated): ExAC 0.00001; gnomAD exomes 0.00001.
gnomAD v4.1: 8 of 1,521,470 alleles (0.00053%); highest among the groups gnomAD compares: Non-Finnish European, 0.00073%; no homozygotes.

Submissions (6):

Labcorp Genetics (formerly Invitae), Labcorp
Classification: Likely benign for RASopathy. Last evaluated: 2025-06-25. Review status: criteria provided, single submitter. Criteria: Invitae Variant Classification Sherloc (09022015). Collection method: clinical testing. Allele origin: germline.

Mayo Clinic Laboratories, Mayo Clinic
Classification: Likely benign. Last evaluated: 2025-06-09. Review status: criteria provided, single submitter. Criteria: ACMG Guidelines, 2015. Collection method: clinical testing. Allele origin: germline. Observed: 1 variant allele.
Comment: BP4, BP7, PM2_supporting

Blueprint Genetics
Classification: Likely benign. Last evaluated: 2020-10-23. Review status: criteria provided, single submitter. Criteria: ACMG Guidelines, 2015. Collection method: clinical testing. Allele origin: germline.

Ambry Genetics
Classification: Likely benign for Cardiovascular phenotype. Last evaluated: 2020-08-30. Review status: criteria provided, single submitter. Criteria: Ambry Variant Classification Scheme 2023. Collection method: clinical testing. Allele origin: germline.

Genome-Nilou Lab
Classification: Likely benign for Noonan syndrome 4. Review status: criteria provided, single submitter. Criteria: ACMG Guidelines, 2015. Collection method: clinical testing. Allele origin: germline.

Genome-Nilou Lab
Classification: Likely benign for Fibromatosis, gingival, 1. Review status: criteria provided, single submitter. Criteria: ACMG Guidelines, 2015. Collection method: clinical testing. Allele origin: germline.